The following is an entry in ClinVar:

ClinVar aggregate classification (germline): Uncertain significance (1 of 4 stars; one submission).

Conditions:
Inborn genetic diseases. Identifiers: MedGen C0950123, MeSH D030342.

Allele frequency attached by ClinVar (database versions not stated): gnomAD exomes below 0.00001.
gnomAD v4.1: 2 of 1,211,213 alleles (0.00017%); highest among the groups gnomAD compares: Non-Finnish European, 0.00022%; no homozygotes.

Submission:

Ambry Genetics
Classification: Uncertain significance for Inborn genetic diseases. Last evaluated: 2021-03-23. Review status: criteria provided, single submitter. Criteria: Ambry Variant Classification Scheme 2023. Collection method: clinical testing. Allele origin: germline.
Comment: The p.T181A variant (also known as c.541A>G), located in coding exon 2 of the ATP7A gene, results from an A to G substitution at nucleotide position 541. The threonine at codon 181 is replaced by alanine, an amino acid with similar properties. This amino acid position is highly conserved in available vertebrate species. In addition, the in silico prediction for this alteration is inconclusive. Since supporting evidence is limited at this time, the clinical significance of this alteration remains unclear.

NM_000052.7(ATP7A):c.541A>G (p.Thr181Ala)

Gene: ATP7A (ATPase copper transporting alpha; plus strand). Cytogenetic location: Xq21.1.
Variant type: single nucleotide variant.
Coding change: c.541A>G on transcript NM_000052.7 (MANE Select); coding-DNA position 541, A replaced by G.
Protein change: p.Thr181Ala; replaces threonine 181 with alanine.
Molecular consequence: missense variant.
Genome position (GRCh38, 1-based): chrX:77,988,662, A>G. VCF-style: chrX-77988662-A-G. GRCh37 (hg19) VCF-style: chrX-77244158-A-G.
Other names: c.541A>G, p.Thr181Ala (NM_001282224.2); short protein forms T181A.
Identifiers: ClinVar variation 1747414 (VCV001747414.2), dbSNP rs2522290528, ClinGen allele CA413600244.
Genomic context (GRCh38, chrX:77,988,662, plus strand): 5'-GAAGATCATAGTATGGCTCAAGCTGGTGAAGTCGTGCTGAAGATGAAAGTGGAAGGGATG[A>G]CCTGCCATTCATGTACTAGCACTATTGAAGGAAAAATTGGGAAACTGCAAGGTGTTCAGC-3'
Protein context (NP_000043.4, residues 171-191): VVLKMKVEGM[Thr181Ala]CHSCTSTIEG